The following is an entry in ClinVar:

NM_024642.5(GALNT12):c.235G>C (p.Gly79Arg)

Gene: GALNT12 (polypeptide N-acetylgalactosaminyltransferase 12; plus strand). Cytogenetic location: 9q22.33.
Variant type: single nucleotide variant.
Coding change: c.235G>C on transcript NM_024642.5 (MANE Select); coding-DNA position 235, G replaced by C.
Protein change: p.Gly79Arg; replaces glycine 79 with arginine.
Molecular consequence: missense variant.
Genome position (GRCh38, 1-based): chr9:98,807,933, G>C. VCF-style: chr9-98807933-G-C. GRCh37 (hg19) VCF-style: chr9-101570215-G-C.
Other names: short protein forms G79R.
Identifiers: ClinVar variation 3280579 (VCV003280579.1).
Genomic context (GRCh38, chr9:98,807,933, plus strand): 5'-GGGCGGCGCGAGCCGGTCATGCCGCGGCCGCCGGTGCCGGCGAACGCGCTGGGCGCGCGG[G>C]GCGAGGCGGTGCGGCTGCAGCTGCAGGGCGAGGAGCTGCGGCTGCAGGAGGAGAGCGTGC-3'
Protein context (NP_078918.3, residues 69-89): PVPANALGAR[Gly79Arg]EAVRLQLQGE

ClinVar aggregate classification (germline): Uncertain significance (1 of 4 stars; one submission).

Submission:

Ambry Genetics
Classification: Uncertain significance. Last evaluated: 2024-05-02. Review status: criteria provided, single submitter. Criteria: Ambry Variant Classification Scheme 2023. Collection method: clinical testing. Allele origin: germline.
Comment: The p.G79R variant (also known as c.235G>C), located in coding exon 1 of the GALNT12 gene, results from a G to C substitution at nucleotide position 235. The glycine at codon 79 is replaced by arginine, an amino acid with dissimilar properties. This amino acid position is conserved. In addition, the in silico prediction for this alteration is inconclusive. Based on the available evidence, the clinical significance of this variant remains unclear.